The following is an entry in ClinVar:

ClinVar aggregate classification (germline): Likely benign. Review status: criteria provided, multiple submitters, no conflicts (2 of 4 stars). 2 submissions from 2 submitters: Likely benign (2). Last evaluated 2025-12-14.

Conditions:
Combined immunodeficiency due to DOCK8 deficiency (HIES2). Also called: Hyper-IgE recurrent infection syndrome, autosomal recessive; HYPER-IgE SYNDROME 2, AUTOSOMAL RECESSIVE, WITH RECURRENT INFECTIONS; HIES autosomal recessive; DOCK8 Deficiency; HYPER-IgE RECURRENT INFECTION SYNDROME 2, AUTOSOMAL RECESSIVE. Identifiers: Orphanet 217390, MedGen C4722305, MONDO:0009478, OMIM 243700.

Allele frequency attached by ClinVar (database versions not stated): gnomAD exomes 0.00001 and 0.00005; ExAC 0.00005; gnomAD 0.00019; TOPMed 0.00039; 1000 Genomes Project 30x 0.00047; 1000 Genomes Project 0.00060.
gnomAD v4.1: 55 of 1,611,330 alleles (0.0034%); highest among the groups gnomAD compares: Admixed American, 0.068%; no homozygotes.

Submissions (2):

Labcorp Genetics (formerly Invitae), Labcorp
Classification: Likely benign for Combined immunodeficiency due to DOCK8 deficiency. Last evaluated: 2025-12-14. Review status: criteria provided, single submitter. Criteria: Invitae Variant Classification Sherloc (09022015). Collection method: clinical testing. Allele origin: germline.

Women's Health and Genetics/Laboratory Corporation of America, LabCorp
Classification: Likely benign. Last evaluated: 2023-11-14. Review status: criteria provided, single submitter. Criteria: LabCorp Variant Classification Summary - May 2015. Collection method: clinical testing. Allele origin: germline.
Comment: Variant summary: DOCK8 c.5223+15G>T alters a non-conserved nucleotide located at a position not widely known to affect splicing. Consensus agreement among computation tools predict no significant impact on normal splicing. However, these predictions have yet to be confirmed by functional studies. The variant allele was found at a frequency of 4.8e-05 in 248250 control chromosomes. To our knowledge, no occurrence of c.5223+15G>T in individuals affected with Combined Immunodeficiency Due To DOCK8 Deficiency and no experimental evidence demonstrating its impact on protein function have been reported. One submitter has cited clinical-significance assessments for this variant to ClinVar after 2014 and has classified the variant as likely benign. Based on the evidence outlined above, the variant was classified as likely benign.

NM_203447.4(DOCK8):c.5223+15G>T

Gene: DOCK8 (dedicator of cytokinesis 8; plus strand). Cytogenetic location: 9p24.3.
Variant type: single nucleotide variant.
Coding change: c.5223+15G>T on transcript NM_203447.4 (MANE Select); 15 bases into the intron after coding-DNA position 5223, G replaced by T.
Molecular consequence: intron variant.
Genome position (GRCh38, 1-based): chr9:439,403, G>T. VCF-style: chr9-439403-G-T. GRCh37 (hg19) VCF-style: chr9-439403-G-T.
Other names: c.5019+15G>T (NM_001193536.2); c.4923+15G>T (NM_001190458.2).
Identifiers: ClinVar variation 1540334 (VCV001540334.9), dbSNP rs574618395, ClinGen allele CA4959349.